The following is an entry in ClinVar:

NM_001267550.2(TTN):c.83830_83836delinsTCACT (p.Arg27944fs)

Genes: TTN-AS1 (TTN antisense RNA 1; plus strand), TTN (titin; minus strand). Cytogenetic location: 2q31.2.
Variant type: Indel.
Coding change: c.83830_83836delinsTCACT on transcript NM_001267550.2 (MANE Select); coding-DNA positions 83830 to 83836, AGAAGTG replaced by TCACT.
Protein change: p.Arg27944fs; shifts the reading frame from arginine 27944.
Molecular consequence: frameshift variant.
Genome position (GRCh38, 1-based): chr2:178,562,296-178,562,302, CACTTCT replaced by AGTGA on the plus strand (AGAAGTG replaced by TCACT on the coding strand, the reverse complement: TTN is on the minus strand). VCF-style: chr2-178562296-CACTTCT-AGTGA. GRCh37 (hg19) VCF-style: chr2-179427023-CACTTCT-AGTGA.
Other names: c.78907_78913delinsTCACT, p.Arg26303fs (NM_001256850.1); c.56635_56641delinsTCACT, p.Arg18879fs (NM_003319.4); c.76126_76132delinsTCACT, p.Arg25376fs (NM_133378.4); c.57010_57016delinsTCACT, p.Arg19004fs (NM_133432.3); c.57211_57217delinsTCACT, p.Arg19071fs (NM_133437.4); c.56635_56641delAGAAGTGinsTCACT (NM_003319.4); short protein forms R19071fs, R26303fs, R27944fs, R19004fs, R18879fs, R25376fs.
Identifiers: ClinVar variation 639810 (VCV000639810.8), dbSNP rs1575633082, ClinGen allele CA915942227.
Genomic context (GRCh38, chr2:178,562,296, plus strand): 5'-CAACTGAAGGCTTTATTTCAATATCCCTTGCAATTACTGGCACTCCAAGTTGTCTTGGAT[CACTTCT>AGTGA]TCCCTTTTCGTTAACTGCAGCTACCCTGAAGACATACTCTTCTCCTGCAGTTAAGCCAGA-3'

ClinVar aggregate classification (germline): Likely pathogenic. Review status: criteria provided, multiple submitters, no conflicts (2 of 4 stars). 2 submissions from 2 submitters: Likely pathogenic (2). Last evaluated 2024-10-07.

Conditions:
Cardiovascular phenotype. Identifiers: MedGen CN230736.
Autosomal recessive limb-girdle muscular dystrophy type 2J (LGMDR10). Also called: Limb-girdle muscular dystrophy, type 2J; MUSCULAR DYSTROPHY, LIMB-GIRDLE, AUTOSOMAL RECESSIVE 10. Identifiers: Orphanet 140922, MedGen C1837342, MONDO:0012127, OMIM 608807.
Dilated cardiomyopathy 1G (CMD1G). Identifiers: Orphanet 154, MedGen C1858763, MONDO:0011400, OMIM 604145.

Submissions (2):

Labcorp Genetics (formerly Invitae), Labcorp
Classification: Likely pathogenic for Dilated cardiomyopathy 1G; Autosomal recessive limb-girdle muscular dystrophy type 2J. Last evaluated: 2024-10-07. Review status: criteria provided, single submitter. Criteria: Invitae Variant Classification Sherloc (09022015). Collection method: clinical testing. Allele origin: germline.
Comment: This sequence change creates a premature translational stop signal (p.Arg27944Serfs*16) in the TTN gene. While this is not anticipated to result in nonsense mediated decay, it is expected to create a truncated TTN protein. This variant is not present in population databases (gnomAD no frequency). This variant has not been reported in the literature in individuals affected with TTN-related conditions. This variant is located in the A band of TTN (PMID: 25589632). Truncating variants in this region are significantly overrepresented in patients affected with dilated cardiomyopathy (PMID: 25589632). Truncating variants in this region have also been reported in individuals affected with autosomal recessive centronuclear myopathy (PMID: 23975875). In summary, the currently available evidence indicates that the variant is pathogenic, but additional data are needed to prove that conclusively. Therefore, this variant has been classified as Likely Pathogenic.

Ambry Genetics
Classification: Likely pathogenic for Cardiovascular phenotype. Last evaluated: 2019-09-12. Review status: criteria provided, single submitter. Criteria: Ambry Variant Classification Scheme 2023. Collection method: clinical testing. Allele origin: germline.
Comment: The c.56635_56641delAGAAGTGinsTCACT variant, located in coding exon 153 of the TTN gene, results from the deletion of 7 nucleotides and insertion of 5 nucleotides causing a translational frameshift with a predicted alternate stop codon (p.R18879Sfs*16). This exon is located in the A-band region of the N2-B isoform of the titin protein and is constitutively expressed in TTN transcripts (percent spliced in or PSI 100%). This alteration is expected to result in loss of function by premature protein truncation or nonsense-mediated mRNA decay. While truncating variants in TTN are present in 1-3% of the general population, truncating variants in the A-band are the most common cause of dilated cardiomyopathy (DCM) (Herman DS et al. N. Engl. J. Med., 2012 Feb;366:619-28; Roberts AM et al. Sci Transl Med, 2015 Jan;7:270ra6). TTN truncating variants encoded in constitutive exons (PSI >90%) have been found to be significantly associated with DCM regardless of their position in titin (Schafer S et al. Nat. Genet., 2017 01;49:46-53). As such, this alteration is classified as likely pathogenic.

Literature cited by the submitters: PubMed 25589632 (cited by Labcorp Genetics (formerly Invitae), Labcorp); PubMed 23975875 (cited by Labcorp Genetics (formerly Invitae), Labcorp).